The following is an entry in ClinVar:

NM_001376.5(DYNC1H1):c.9389A>T (p.Tyr3130Phe)

Genes: DYNC1H1 (dynein cytoplasmic 1 heavy chain 1; plus strand), LOC126862060 (BRD4-independent group 4 enhancer GRCh37_chr14:102493659-102494858; plus strand). Cytogenetic location: 14q32.31.
Variant type: single nucleotide variant.
Coding change: c.9389A>T on transcript NM_001376.5 (MANE Select); coding-DNA position 9389, A replaced by T.
Protein change: p.Tyr3130Phe; replaces tyrosine 3130 with phenylalanine.
Molecular consequence: missense variant.
Genome position (GRCh38, 1-based): chr14:102,028,062, A>T. VCF-style: chr14-102028062-A-T. GRCh37 (hg19) VCF-style: chr14-102494399-A-T.
Other names: short protein forms Y3130F.
Identifiers: ClinVar variation 2229969 (VCV002229969.2), dbSNP rs2048470104, ClinGen allele CA391014154.

ClinVar aggregate classification (germline): Uncertain significance (1 of 4 stars; one submission).

Conditions:
Inborn genetic diseases. Identifiers: MedGen C0950123, MeSH D030342.

Submission:

Ambry Genetics
Classification: Uncertain significance for Inborn genetic diseases. Last evaluated: 2021-04-20. Review status: criteria provided, single submitter. Criteria: Ambry Variant Classification Scheme 2023. Collection method: clinical testing. Allele origin: germline.
Comment: The c.9389A>T (p.Y3130F) alteration is located in exon 48 (coding exon 48) of the DYNC1H1 gene. This alteration results from a A to T substitution at nucleotide position 9389, causing the tyrosine (Y) at amino acid position 3130 to be replaced by a phenylalanine (F). The p.Y3130F alteration is predicted to be tolerated by in silico analysis. Based on insufficient or conflicting evidence, the clinical significance of this alteration remains unclear.